The following is an entry in ClinVar:

NM_001320.7(CSNK2B):c.36G>A (p.Trp12Ter)

Gene: CSNK2B (casein kinase 2 beta; plus strand). Cytogenetic location: 6p21.33.
Variant type: single nucleotide variant.
Coding change: c.36G>A on transcript NM_001320.7 (MANE Select); coding-DNA position 36, G replaced by A.
Protein change: p.Trp12Ter; replaces tryptophan 12 with a stop codon.
Molecular consequence: nonsense.
Genome position (GRCh38, 1-based): chr6:31,666,867, G>A. VCF-style: chr6-31666867-G-A. GRCh37 (hg19) VCF-style: chr6-31634644-G-A.
Other names: c.36G>A, p.Trp12Ter (NM_001282385.2); short protein forms W12*.
Identifiers: ClinVar variation 489241 (VCV000489241.4), dbSNP rs1554169462, ClinGen allele CA363469433.

ClinVar aggregate classification (germline): Pathogenic/Likely pathogenic. Review status: criteria provided, multiple submitters, no conflicts (2 of 4 stars). 2 submissions from 2 submitters: Pathogenic (1); Likely pathogenic (1). Last evaluated 2023-11-29.

Conditions:
Poirier-Bienvenu neurodevelopmental syndrome (POBINDS). Identifiers: Orphanet 689397, MedGen C5231482, MONDO:0032889, OMIM 618732.

Submissions (2):

Institute of Human Genetics, University of Leipzig Medical Center
Classification: Likely pathogenic for Poirier-Bienvenu neurodevelopmental syndrome. Last evaluated: 2023-11-29. Review status: criteria provided, single submitter. Criteria: ACMG Guidelines, 2015. Collection method: clinical testing. Allele origin: unknown. Inheritance: Autosomal dominant inheritance. Affected: yes.
Comment: Criteria applied: PVS1_STR,PS4_SUP,PM2_SUP

GeneDx
Classification: Pathogenic. Last evaluated: 2017-12-07. Review status: criteria provided, single submitter. Criteria: GeneDx Variant Classification (06012015). Collection method: clinical testing. Allele origin: germline. Affected: yes.
Comment: The W12X variant in the CSNK2B gene has not been reported previously as a pathogenic variant nor as a benign variant, to our knowledge. This variant is predicted to cause loss of normal protein function either through protein truncation or nonsense-mediated mRNA decay. The W12X variant is not observed in large population cohorts (Lek et al., 2016).